The following is an entry in ClinVar:

NC_000015.9:g.(?_45884313)_(45898712_?)del

Gene: BLOC1S6 (biogenesis of lysosomal organelles complex 1 subunit 6; plus strand). Cytogenetic location: 15q21.1.
Variant type: Deletion.
Identifiers: ClinVar variation 3243821 (VCV003243821.1).

ClinVar aggregate classification (germline): Pathogenic (1 of 4 stars; one submission).

Conditions:
Hermansky-Pudlak syndrome 9 (HPS9). Identifiers: Orphanet 280663, Orphanet 79430, MedGen C3280026, MONDO:0013606, OMIM 614171.

Submission:

Labcorp Genetics (formerly Invitae), Labcorp
Classification: Pathogenic for Hermansky-Pudlak syndrome 9. Last evaluated: 2023-04-26. Review status: criteria provided, single submitter. Criteria: Invitae Variant Classification Sherloc (09022015). Collection method: clinical testing. Allele origin: unknown.
Comment: For these reasons, this variant has been classified as Pathogenic. This variant disrupts a region of the BLOC1S6 protein in which other variant(s) (p.Ile118Tyrfs*10) have been determined to be pathogenic (PMID: 33543539). This suggests that this is a clinically significant region of the protein, and that variants that disrupt it are likely to be disease-causing. This variant has not been reported in the literature in individuals affected with BLOC1S6-related conditions. This variant is a gross deletion of the genomic region encompassing exon(s) 2-5 of the BLOC1S6 gene, which includes the termination codon. This deletion extends beyond the assayed region for this gene and therefore may encompass additional genes. While this deletion is not anticipated to lead to nonsense mediated decay, it is expected to alter mRNA translation or result in a truncated protein product.

Literature cited by the submitters: PubMed 33543539.